The following is an entry in ClinVar:

NM_138694.4(PKHD1):c.4990T>C (p.Ser1664Pro)

Genes: PKHD1 (PKHD1 ciliary IPT domain containing fibrocystin/polyductin; minus strand), LOC126859690 (MED14-independent group 3 enhancer GRCh37_chr6:51888848-51890047; plus strand). Cytogenetic location: 6p12.2.
Variant type: single nucleotide variant.
Coding change: c.4990T>C on transcript NM_138694.4 (MANE Select); coding-DNA position 4990, T replaced by C.
Protein change: p.Ser1664Pro; replaces serine 1664 with proline.
Molecular consequence: missense variant.
Genome position (GRCh38, 1-based): chr6:52,024,820, A>G on the plus strand (T>C on the coding strand, the complement: PKHD1 is on the minus strand). VCF-style: chr6-52024820-A-G. GRCh37 (hg19) VCF-style: chr6-51889618-A-G.
Other names: c.4990T>C, p.Ser1664Pro (NM_170724.3); short protein forms S1664P.
Identifiers: ClinVar variation 2004450 (VCV002004450.4), dbSNP rs906308671, ClinGen allele CA138946165.

ClinVar aggregate classification (germline): Uncertain significance (1 of 4 stars; one submission).

Conditions:
Autosomal recessive polycystic kidney disease (ARPKD). Also called: AR polycystic kidney disease. Identifiers: Orphanet 731, Orphanet 8378, MedGen C0085548, MeSH D017044, MONDO:0009889.

Submission:

Labcorp Genetics (formerly Invitae), Labcorp
Classification: Uncertain significance for Autosomal recessive polycystic kidney disease. Last evaluated: 2023-07-07. Review status: criteria provided, single submitter. Criteria: Invitae Variant Classification Sherloc (09022015). Collection method: clinical testing. Allele origin: germline.
Comment: This sequence change replaces serine, which is neutral and polar, with proline, which is neutral and non-polar, at codon 1664 of the PKHD1 protein (p.Ser1664Pro). This variant is not present in population databases (gnomAD no frequency). This variant has not been reported in the literature in individuals affected with PKHD1-related conditions. ClinVar contains an entry for this variant (Variation ID: 2004450). Advanced modeling of protein sequence and biophysical properties (such as structural, functional, and spatial information, amino acid conservation, physicochemical variation, residue mobility, and thermodynamic stability) has been performed at Invitae for this missense variant, however the output from this modeling did not meet the statistical confidence thresholds required to predict the impact of this variant on PKHD1 protein function. In summary, the available evidence is currently insufficient to determine the role of this variant in disease. Therefore, it has been classified as a Variant of Uncertain Significance.